The following is an entry in ClinVar:

NM_003719.5(PDE8B):c.2117A>G (p.Lys706Arg)

Gene: PDE8B (phosphodiesterase 8B; plus strand). Cytogenetic location: 5q13.3.
Variant type: single nucleotide variant.
Coding change: c.2117A>G on transcript NM_003719.5 (MANE Select); coding-DNA position 2117, A replaced by G.
Protein change: p.Lys706Arg; replaces lysine 706 with arginine.
Molecular consequence: missense variant.
Genome position (GRCh38, 1-based): chr5:77,418,434, A>G. VCF-style: chr5-77418434-A-G. GRCh37 (hg19) VCF-style: chr5-76714259-A-G.
Other names: c.1826A>G, p.Lys609Arg (NM_001029851.4); c.1952A>G, p.Lys651Arg (NM_001029852.4); c.2057A>G, p.Lys686Arg (NM_001029853.4); c.1976A>G, p.Lys659Arg (NM_001029854.4); c.2114A>G, p.Lys705Arg (NM_001349748.3, NM_001349751.3); c.2180A>G, p.Lys727Arg (NM_001349749.3); c.1877A>G, p.Lys626Arg (NM_001349750.3); c.1811A>G, p.Lys604Arg (NM_001349752.3); and 12 more; short protein forms K485R, K488R, K508R, K557R, K558R, K578R, K582R, K585R.
Identifiers: ClinVar variation 3030200 (VCV003030200.2), dbSNP rs2532437006, ClinGen allele CA360182772.

ClinVar aggregate classification (germline): Uncertain significance (0 of 4 stars; one submission).

Conditions:
PDE8B-related disorder. Also called: PDE8B-related condition.

Submission:

PreventionGenetics, part of Exact Sciences
Classification: Uncertain significance for PDE8B-related condition. Last evaluated: 2024-01-20. Review status: no assertion criteria provided. Collection method: clinical testing. Allele origin: germline.
Comment: The PDE8B c.2117A>G variant is predicted to result in the amino acid substitution p.Lys706Arg. To our knowledge, this variant has not been reported in the literature or in a large population database, indicating this variant is rare. At this time, the clinical significance of this variant is uncertain due to the absence of conclusive functional and genetic evidence.